The following is an entry in ClinVar:

ClinVar aggregate classification (germline): Uncertain significance. Review status: criteria provided, multiple submitters, no conflicts (2 of 4 stars). 2 submissions from 2 submitters: Uncertain significance (2). Last evaluated 2025-08-10.

Conditions:
Inborn genetic diseases. Identifiers: MedGen C0950123, MeSH D030342.
Spastic paraplegia. Identifiers: MedGen C0037772, HP:0001258.

Allele frequency attached by ClinVar (database versions not stated): gnomAD exomes below 0.00001; TOPMed below 0.00001; gnomAD 0.00001.
gnomAD v4.1: 7 of 1,613,788 alleles (0.00043%); highest among the groups gnomAD compares: South Asian, 0.0011%; no homozygotes.

Submissions (2):

Ambry Genetics
Classification: Uncertain significance for Inborn genetic diseases. Last evaluated: 2025-08-10. Review status: criteria provided, single submitter. Criteria: Ambry Variant Classification Scheme 2023. Collection method: clinical testing. Allele origin: germline.

Labcorp Genetics (formerly Invitae), Labcorp
Classification: Uncertain significance for Spastic paraplegia. Last evaluated: 2019-11-01. Review status: criteria provided, single submitter. Criteria: Invitae Variant Classification Sherloc (09022015). Collection method: clinical testing. Allele origin: germline.
Comment: Algorithms developed to predict the effect of missense changes on protein structure and function are either unavailable or do not agree on the potential impact of this missense change (SIFT: "Deleterious"; PolyPhen-2: "Probably Damaging"; Align-GVGD: "Class C0"). Algorithms developed to predict the effect of sequence changes on RNA splicing suggest that this variant may create or strengthen a splice site, but this prediction has not been confirmed by published transcriptional studies. In summary, the available evidence is currently insufficient to determine the role of this variant in disease. Therefore, it has been classified as a Variant of Uncertain Significance. This variant has not been reported in the literature in individuals with AP4E1-related conditions. This variant is not present in population databases (ExAC no frequency). This sequence change replaces aspartic acid with glycine at codon 218 of the AP4E1 protein (p.Asp218Gly). The aspartic acid residue is highly conserved and there is a moderate physicochemical difference between aspartic acid and glycine.

NM_007347.5(AP4E1):c.653A>G (p.Asp218Gly)

Gene: AP4E1 (adaptor related protein complex 4 subunit epsilon 1; plus strand). Cytogenetic location: 15q21.2.
Variant type: single nucleotide variant.
Coding change: c.653A>G on transcript NM_007347.5 (MANE Select); coding-DNA position 653, A replaced by G.
Protein change: p.Asp218Gly; replaces aspartic acid 218 with glycine.
Molecular consequence: missense variant.
Genome position (GRCh38, 1-based): chr15:50,929,119, A>G. VCF-style: chr15-50929119-A-G. GRCh37 (hg19) VCF-style: chr15-51221316-A-G.
Other names: c.428A>G, p.Asp143Gly (NM_001252127.2); c.653A>G (NM_007347.3); short protein forms D143G, D218G.
Identifiers: ClinVar variation 960508 (VCV000960508.10), dbSNP rs1211471604, ClinGen allele CA392415863.